The following is an entry in ClinVar:

ClinVar aggregate classification (germline): Uncertain significance (1 of 4 stars; one submission).

Conditions:
Dystonic disorder. Also called: Dystonia. Identifiers: MedGen C0013421, MONDO:0003441, HP:0001332.

Allele frequency attached by ClinVar (database versions not stated): gnomAD below 0.00001 and 0.00001; gnomAD exomes below 0.00001.
gnomAD v4.1: 12 of 1,473,386 alleles (0.00081%); highest among the groups gnomAD compares: South Asian, 0.0037%; no homozygotes.

Submission:

Labcorp Genetics (formerly Invitae), Labcorp
Classification: Uncertain significance for Dystonic disorder. Last evaluated: 2022-10-18. Review status: criteria provided, single submitter. Criteria: Invitae Variant Classification Sherloc (09022015). Collection method: clinical testing. Allele origin: germline.
Comment: In summary, the available evidence is currently insufficient to determine the role of this variant in disease. Therefore, it has been classified as a Variant of Uncertain Significance. This sequence change replaces lysine, which is basic and polar, with arginine, which is basic and polar, at codon 879 of the CIZ1 protein (p.Lys879Arg). This variant is not present in population databases (gnomAD no frequency). This variant has not been reported in the literature in individuals affected with CIZ1-related conditions. ClinVar contains an entry for this variant (Variation ID: 935965). Algorithms developed to predict the effect of missense changes on protein structure and function (SIFT, PolyPhen-2, Align-GVGD) all suggest that this variant is likely to be disruptive.

NM_001131016.2(CIZ1):c.2636A>G (p.Lys879Arg)

Gene: CIZ1 (CDKN1A interacting zinc finger protein 1; minus strand). Cytogenetic location: 9q34.11.
Variant type: single nucleotide variant.
Coding change: c.2636A>G on transcript NM_001131016.2 (MANE Select); coding-DNA position 2636, A replaced by G.
Protein change: p.Lys879Arg; replaces lysine 879 with arginine.
Molecular consequence: missense variant.
Genome position (GRCh38, 1-based): chr9:128,166,258, T>C on the plus strand (A>G on the coding strand, the complement: CIZ1 is on the minus strand). VCF-style: chr9-128166258-T-C. GRCh37 (hg19) VCF-style: chr9-130928537-T-C.
Other names: c.2468A>G, p.Lys823Arg (NM_001131015.2); c.2453A>G, p.Lys818Arg (NM_001131017.2); c.2396A>G, p.Lys799Arg (NM_001131018.2); c.2804A>G, p.Lys935Arg (NM_001257975.2); c.2333A>G, p.Lys778Arg (NM_001257976.2); c.2636A>G, p.Lys879Arg (NM_012127.3); short protein forms K778R, K935R, K879R, K799R, K818R, K823R.
Identifiers: ClinVar variation 935965 (VCV000935965.9), dbSNP rs943403155, ClinGen allele CA200368674.
Genomic context (GRCh38, chr9:128,166,258, plus strand): 5'-CAGGTTTTGAGGCGGGTTGAGCGCCGAGGTAGTGGGGGCTGGGAGGGTCGAGCCGTCACC[T>C]TGCTGGGTGTTTTGTCCTGGGTGTTGGGCTGGGAGGGTGGGCGGCCGCTGGAGGTGAACA-3'
Protein context (NP_001124488.1, residues 869-889): QPNTQDKTPS[Lys879Arg]VTARPSQPPL